The following is an entry in ClinVar:

ClinVar aggregate classification (germline): Uncertain significance. Review status: criteria provided, multiple submitters, no conflicts (2 of 4 stars). 2 submissions from 2 submitters: Uncertain significance (2). Last evaluated 2026-02-11.

Submissions (2):

Women's Health and Genetics/Laboratory Corporation of America, LabCorp
Classification: Uncertain significance. Last evaluated: 2026-02-11. Review status: criteria provided, single submitter. Criteria: LabCorp Variant Classification Summary - May 2015. Collection method: clinical testing. Allele origin: germline.
Comment: Variant summary: CENPE c.5791A>G (p.Met1931Val) results in a conservative amino acid change in the encoded protein sequence. Algorithms developed to predict the effect of missense changes on protein structure and function all suggest that this variant is likely to be tolerated. The variant allele was found at a frequency of 9.9e-05 in 241586 control chromosomes. This frequency is not significantly higher than estimated for disease-causing variants in CENPE, allowing no conclusion about variant significance. To our knowledge, no occurrence of c.5791A>G in individuals affected with CENPE-related conditions and no experimental evidence demonstrating its impact on protein function have been reported. ClinVar contains an entry for this variant (Variation ID: 3490276). Based on the evidence outlined above, the variant was classified as uncertain significance.

Ambry Genetics
Classification: Uncertain significance. Last evaluated: 2024-11-10. Review status: criteria provided, single submitter. Criteria: Ambry Variant Classification Scheme 2023. Collection method: clinical testing. Allele origin: germline.

NM_001813.3(CENPE):c.5791A>G (p.Met1931Val)

Gene: CENPE (centromere protein E; minus strand). Cytogenetic location: 4q24.
Variant type: single nucleotide variant.
Coding change: c.5791A>G on transcript NM_001813.3 (MANE Select); coding-DNA position 5791, A replaced by G.
Protein change: p.Met1931Val; replaces methionine 1931 with valine.
Molecular consequence: missense variant.
Genome position (GRCh38, 1-based): chr4:103,140,378, T>C on the plus strand (A>G on the coding strand, the complement: CENPE is on the minus strand). VCF-style: chr4-103140378-T-C. GRCh37 (hg19) VCF-style: chr4-104061535-T-C.
Other names: c.5716A>G, p.Met1906Val (NM_001286734.2); short protein forms M1931V, M1906V.
Identifiers: ClinVar variation 3490276 (VCV003490276.2).
Genomic context (GRCh38, chr4:103,140,378, plus strand): 5'-TCTTTTCTGAAATTTTTTCTCTAAGTTTATCAACAGTTTCTTTGTGTTCTTTTGATAGCA[T>C]ACGAGCAGTTTTTAGTTCCTGTTGTATTTCCAGATCCTTTATGGTTAGAAGAAATCAAGA-3'
Protein context (NP_001804.2, residues 1921-1941): EIQQELKTAR[Met1931Val]LSKEHKETVD